The following is an entry in ClinVar:

ClinVar aggregate classification (germline): Uncertain significance. Review status: criteria provided, multiple submitters, no conflicts (2 of 4 stars). 3 submissions from 3 submitters: Uncertain significance (3). Last evaluated 2025-03-16.

Conditions:
Hereditary cancer-predisposing syndrome. Also called: Tumor predisposition; Neoplastic Syndromes, Hereditary; Hereditary Cancer Syndrome; Hereditary neoplastic syndrome. Identifiers: Orphanet 140162, MedGen C0027672, MeSH D009386, MONDO:0015356.
Neurofibromatosis, type 2 (SWNV). Also called: BILATERAL ACOUSTIC NEUROFIBROMATOSIS; SCHWANNOMATOSIS, VESTIBULAR; NF2-Related Schwannomatosis. Identifiers: Orphanet 637, MedGen C0027832, MONDO:0007039, OMIM 101000. Disease mechanism: loss of function.

Submissions (3):

Labcorp Genetics (formerly Invitae), Labcorp
Classification: Uncertain significance for Neurofibromatosis, type 2. Last evaluated: 2025-03-16. Review status: criteria provided, single submitter. Criteria: Invitae Variant Classification Sherloc (09022015). Collection method: clinical testing. Allele origin: germline.
Comment: This sequence change replaces arginine, which is basic and polar, with serine, which is neutral and polar, at codon 424 of the NF2 protein (p.Arg424Ser). This variant is not present in population databases (gnomAD no frequency). This variant has not been reported in the literature in individuals affected with NF2-related conditions. ClinVar contains an entry for this variant (Variation ID: 655363). Invitae Evidence Modeling of protein sequence and biophysical properties (such as structural, functional, and spatial information, amino acid conservation, physicochemical variation, residue mobility, and thermodynamic stability) indicates that this missense variant is not expected to disrupt NF2 protein function with a negative predictive value of 80%. In summary, the available evidence is currently insufficient to determine the role of this variant in disease. Therefore, it has been classified as a Variant of Uncertain Significance.

Ambry Genetics
Classification: Uncertain significance for Hereditary cancer-predisposing syndrome. Last evaluated: 2024-03-22. Review status: criteria provided, single submitter. Criteria: Ambry Variant Classification Scheme 2023. Collection method: clinical testing. Allele origin: germline.
Comment: The p.R424S variant (also known as c.1270C>A), located in coding exon 12 of the NF2 gene, results from a C to A substitution at nucleotide position 1270. The arginine at codon 424 is replaced by serine, an amino acid with dissimilar properties. This amino acid position is highly conserved in available vertebrate species. In addition, the in silico prediction for this alteration is inconclusive. Since supporting evidence is limited at this time, the clinical significance of this alteration remains unclear.

Genome-Nilou Lab
Classification: Uncertain significance for Neurofibromatosis, type 2. Last evaluated: 2021-11-07. Review status: criteria provided, single submitter. Criteria: ACMG Guidelines, 2015. Collection method: clinical testing. Allele origin: germline. Affected: no.

NM_000268.4(NF2):c.1270C>A (p.Arg424Ser)

Gene: NF2 (NF2, moesin-ezrin-radixin like (MERLIN) tumor suppressor; plus strand). Cytogenetic location: 22q12.2.
Variant type: single nucleotide variant.
Coding change: c.1270C>A on transcript NM_000268.4 (MANE Select); coding-DNA position 1270, C replaced by A.
Protein change: p.Arg424Ser; replaces arginine 424 with serine.
Molecular consequence: missense variant. On other transcripts: non-coding transcript variant (1), intron variant (1).
Genome position (GRCh38, 1-based): chr22:29,673,416, C>A. VCF-style: chr22-29673416-C-A. GRCh37 (hg19) VCF-style: chr22-30069405-C-A.
Other names: c.1270C>A, p.Arg424Ser (NM_016418.5, NM_181825.3, NM_181832.3); c.1144C>A, p.Arg382Ser (NM_181828.3); c.1147C>A, p.Arg383Ser (NM_181829.3); c.1021C>A, p.Arg341Ser (NM_181830.3, NM_181831.3); c.448-21336C>A (NM_181833.3); short protein forms R382S, R424S, R341S, R383S.
Identifiers: ClinVar variation 655363 (VCV000655363.16), dbSNP rs763826793, ClinGen allele CA411148394.